The following continues an entry in ClinVar:

NM_002691.4(POLD1):c.961G>A (p.Gly321Ser)

Gene: POLD1. ClinVar aggregate classification (germline): Conflicting classifications of pathogenicity. Uncertain significance (11); Likely benign (6).

Submissions 15 to 23 of 23:

Sema4
Classification: Uncertain significance for Hereditary cancer-predisposing syndrome. Last evaluated: 2021-09-09. Review status: criteria provided, single submitter. Criteria: Sema4 Curation Guidelines. Collection method: curation. Allele origin: germline.
Comment: The POLD1 c.961G>A (p.G321S) variant has been reported in at least 5 individuals with colon polyps and/or colorectal cancer (PMID: 25938944, 30827058, 33193653, 26648449). It was also identified in a patient with medullary thyroid cancer and in a pediatric patient with an astrocytoma (PMID: 30680046, 33332384). It was observed in 82/124328 chromosomes of the Non-Finnish European subpopulation, with no homozygotes, in the large and broad cohorts of the Genome Aggregation Database (PMID: 32461654), which is a higher frequency than expected for a disease-causing variant in POLD1. This suggests that the variant could be a benign polymorphism. The variant has been reported in ClinVar (Variation ID 221136). This variant is located within the functional exonuclease domain. In silico tools suggest the impact of the variant on protein function is inconclusive, though these predictions have not been confirmed by functional studies. There is no indication that this variant causes disease, but the evidence is insufficient currently to prove that conclusively. Thus, the clinical significance of this variant is currently uncertain.

Fulgent Genetics
Classification: Uncertain significance for POLD1-related polyposis and colorectal cancer syndrome; Mandibular hypoplasia-deafness-progeroid syndrome. Last evaluated: 2018-10-31. Review status: criteria provided, single submitter. Criteria: ACMG Guidelines, 2015. Collection method: clinical testing. Allele origin: unknown.

Mendelics
Classification: Uncertain significance for Familial colorectal cancer. Last evaluated: 2018-07-02. Review status: criteria provided, single submitter. Criteria: Mendelics Assertion Criteria 2017. Collection method: clinical testing. Allele origin: unknown.

True Health Diagnostics
Classification: Uncertain significance for Hereditary cancer-predisposing syndrome. Last evaluated: 2017-09-29. Review status: no assertion criteria provided. Collection method: clinical testing. Allele origin: germline. Not counted in ClinVar's aggregate classification.

Counsyl
Classification: Uncertain significance for POLD1-related polyposis and colorectal cancer syndrome. Last evaluated: 2016-10-27. Review status: no assertion criteria provided. Collection method: clinical testing. Allele origin: unknown. Not counted in ClinVar's aggregate classification.

Clinical Genetics, Academic Medical Center
Classification: Uncertain significance. Review status: no assertion criteria provided. Collection method: clinical testing. Allele origin: germline. Affected: yes. Study: VKGL Data-share Consensus. Not counted in ClinVar's aggregate classification.

Department of Pathology and Laboratory Medicine, Sinai Health System
Classification: Uncertain significance for Carcinoma of colon. Review status: no assertion criteria provided. Collection method: clinical testing. Allele origin: unknown. Affected: yes. Study: The Canadian Open Genetics Repository (COGR). Not counted in ClinVar's aggregate classification.
Comment: The POLD1 p.Gly321Ser variant was identified in 5 of 1364 proband chromosomes (frequency: 0.004) from individuals with colorectal and medullary thyroid cancer (Weren 2015, Jansen 2016, Elsayed 2019, Henn 2019). The variant was identified in dbSNP (rs41554817) as â€šÃ„Ãºwith uncertain significance alleleâ€šÃ„Ã¹, ClinVar (interpreted as uncertain significance by Invitae, Ambry Genetics and 7 others). The variant was identified in control databases in 88 of 268,044 chromosomes at a frequency of 0.000328 increasing the likelihood this could be a low frequency benign variant (Genome Aggregation Database Feb 27, 2017). The variant was observed in the following populations: African in 3 of 23418 chromosomes (freq: 0.0001), Other in 1 of 6224 chromosomes (freq: 0.0002), Latino in 7 of 33,760 chromosomes (freq: 0.0002), European in 75 of 122,102 chromosomes (freq: 0.0006), Finnish in 1 of 24,360 chromosomes (freq: 0.00004), and South Asian in 1 of 29,884 chromosomes (freq: 0.00003). The variant was not observed in the Ashkenazi Jewish and East Asian populations. The variant affects the exonuclease domain of POLD1, but functional analysis would be needed to determine if there is a deleterious effect on the protein. The p.Gly321 residue is conserved in mammals and computational analyses (PolyPhen-2, SIFT, AlignGVGD, BLOSUM, MutationTaster) provide inconsistent predictions regarding the impact to the protein; this information is not very predictive of pathogenicity. The variant occurs outside of the splicing consensus sequence and in silico or computational prediction software programs (SpliceSiteFinder, MaxEntScan, NNSPLICE, GeneSplicer) do not predict a difference in splicing. In summary, based on the above information the clinical significance of this variant cannot be determined with certainty at this time. This variant is classified as a variant of uncertain significance

Diagnostic Laboratory, Department of Genetics, University Medical Center Groningen
Classification: Uncertain significance. Review status: no assertion criteria provided. Collection method: clinical testing. Allele origin: germline. Affected: yes. Study: VKGL Data-share Consensus. Not counted in ClinVar's aggregate classification.

Genome Diagnostics Laboratory, Amsterdam University Medical Center
Classification: Uncertain significance. Review status: no assertion criteria provided. Collection method: clinical testing. Allele origin: germline. Affected: yes. Study: VKGL Data-share Consensus. Not counted in ClinVar's aggregate classification.

Literature cited by the submitters: PubMed 25938944 (cited by 6 submitters); PubMed 30827058 (cited by 4 submitters); PubMed 37848928 (cited by Center for Genomic Medicine, Rigshospitalet, Copenhagen University Hospital); PubMed 33193653 (cited by 3 submitters); PubMed 33332384 (cited by Quest Diagnostics Nichols Institute San Juan Capistrano and Sema4); PubMed 26648449 (cited by 4 submitters); PubMed 35264596 (cited by Quest Diagnostics Nichols Institute San Juan Capistrano and Mayo Clinic Laboratories, Mayo Clinic); PubMed 30680046 (cited by Sema4).